The following is an entry in ClinVar:

ClinVar aggregate classification (germline): Uncertain significance. Review status: criteria provided, multiple submitters, no conflicts (2 of 4 stars). 5 submissions from 5 submitters: Uncertain significance (5). Last evaluated 2025-03-24.

Conditions:
Inborn genetic diseases. Identifiers: MedGen C0950123, MeSH D030342.

Allele frequency attached by ClinVar (database versions not stated): gnomAD exomes 0.00002 and 0.00005; TOPMed 0.00003; ExAC 0.00004; gnomAD 0.00004.
gnomAD v4.1: 39 of 1,612,162 alleles (0.0024%); highest among the groups gnomAD compares: Admixed American, 0.023%; no homozygotes.

Submissions (5):

GeneDx
Classification: Uncertain significance. Last evaluated: 2025-03-24. Review status: criteria provided, single submitter. Criteria: GeneDx Variant Classification Process June 2021. Collection method: clinical testing. Allele origin: germline. Affected: yes.
Comment: In silico analysis indicates that this missense variant does not alter protein structure/function; Has not been previously published as pathogenic or benign to our knowledge

Blueprint Genetics
Classification: Uncertain significance. Last evaluated: 2023-07-05. Review status: criteria provided, single submitter. Criteria: ACMG Guidelines, 2015. Collection method: clinical testing. Allele origin: germline.

Ambry Genetics
Classification: Uncertain significance for Inborn genetic diseases. Last evaluated: 2022-09-29. Review status: criteria provided, single submitter. Criteria: Ambry Variant Classification Scheme 2023. Collection method: clinical testing. Allele origin: germline.

Labcorp Genetics (formerly Invitae), Labcorp
Classification: Uncertain significance. Last evaluated: 2022-08-22. Review status: criteria provided, single submitter. Criteria: Invitae Variant Classification Sherloc (09022015). Collection method: clinical testing. Allele origin: germline.
Comment: This sequence change replaces arginine, which is basic and polar, with glutamine, which is neutral and polar, at codon 825 of the MYO18B protein (p.Arg825Gln). This variant is present in population databases (rs765063475, gnomAD 0.02%). This variant has not been reported in the literature in individuals affected with MYO18B-related conditions. ClinVar contains an entry for this variant (Variation ID: 1446807). Algorithms developed to predict the effect of missense changes on protein structure and function are either unavailable or do not agree on the potential impact of this missense change (SIFT: "Not Available"; PolyPhen-2: "Benign"; Align-GVGD: "Not Available"). In summary, the available evidence is currently insufficient to determine the role of this variant in disease. Therefore, it has been classified as a Variant of Uncertain Significance.

Breakthrough Genomics
Classification: Uncertain significance. Review status: criteria provided, single submitter. Criteria: ACMG Guidelines, 2015. Collection method: not provided. Allele origin: germline. Inheritance: Autosomal dominant inheritance. Affected: yes.

NM_032608.7(MYO18B):c.2474G>A (p.Arg825Gln)

Gene: MYO18B (myosin XVIIIB; plus strand). Cytogenetic location: 22q12.1.
Variant type: single nucleotide variant.
Coding change: c.2474G>A on transcript NM_032608.7 (MANE Select); coding-DNA position 2474, G replaced by A.
Protein change: p.Arg825Gln; replaces arginine 825 with glutamine.
Molecular consequence: missense variant.
Genome position (GRCh38, 1-based): chr22:25,798,050, G>A. VCF-style: chr22-25798050-G-A. GRCh37 (hg19) VCF-style: chr22-26194017-G-A.
Other names: c.2474G>A, p.Arg825Gln (NM_001318245.2); c.2474G>A (NM_032608.5); short protein forms R825Q.
Identifiers: ClinVar variation 1446807 (VCV001446807.9), dbSNP rs765063475, ClinGen allele CA10160180.
Genomic context (GRCh38, chr22:25,798,050, plus strand): 5'-AGCTCCAGGGTGCCATGGAGATGCTCGGCATCTCAGAGAGCGAGCAGCGGGCTGTTTGGC[G>A]GGTCCTGGCAGCCATCTACCACCTGGGTGCGGCGGGGGCCTGCAAAGGTACGTCCTTCCT-3'
Protein context (NP_115997.5, residues 815-835): ISESEQRAVW[Arg825Gln]VLAAIYHLGA